The following is an entry in ClinVar:

NM_004795.4(KL):c.2297G>C (p.Gly766Ala)

Gene: KL (klotho; plus strand). Cytogenetic location: 13q13.1.
Variant type: single nucleotide variant.
Coding change: c.2297G>C on transcript NM_004795.4 (MANE Select); coding-DNA position 2297, G replaced by C.
Protein change: p.Gly766Ala; replaces glycine 766 with alanine.
Molecular consequence: missense variant.
Genome position (GRCh38, 1-based): chr13:33,061,376, G>C. VCF-style: chr13-33061376-G-C. GRCh37 (hg19) VCF-style: chr13-33635513-G-C.
Other names: short protein forms G766A.
Identifiers: ClinVar variation 2801613 (VCV002801613.3), dbSNP rs147902403, ClinGen allele CA6944290.
Genomic context (GRCh38, chr13:33,061,376, plus strand): 5'-AAGAGGTGGCTGAGAGAGTTTTGGAATTTGACATTGGCTGGCTGGCTGAGCCCATTTTCG[G>C]CTCTGGAGATTATCCATGGGTGATGAGGGACTGGCTGAACCAAAGAAACAATTTTCTTCT-3'
Protein context (NP_004786.2, residues 756-776): DIGWLAEPIF[Gly766Ala]SGDYPWVMRD

ClinVar aggregate classification (germline): Uncertain significance (1 of 4 stars; one submission).

gnomAD v4.1: 10 of 1,614,038 alleles (0.00062%); highest among the groups gnomAD compares: Non-Finnish European, 0.00085%; no homozygotes.

Submission:

Labcorp Genetics (formerly Invitae), Labcorp
Classification: Uncertain significance. Last evaluated: 2025-03-31. Review status: criteria provided, single submitter. Criteria: Invitae Variant Classification Sherloc (09022015). Collection method: clinical testing. Allele origin: germline.
Comment: This sequence change replaces glycine, which is neutral and non-polar, with alanine, which is neutral and non-polar, at codon 766 of the KL protein (p.Gly766Ala). This variant is present in population databases (rs147902403, gnomAD 0.002%). This variant has not been reported in the literature in individuals affected with KL-related conditions. ClinVar contains an entry for this variant (Variation ID: 2801613). Invitae Evidence Modeling of protein sequence and biophysical properties (such as structural, functional, and spatial information, amino acid conservation, physicochemical variation, residue mobility, and thermodynamic stability) indicates that this missense variant is not expected to disrupt KL protein function with a negative predictive value of 80%. In summary, the available evidence is currently insufficient to determine the role of this variant in disease. Therefore, it has been classified as a Variant of Uncertain Significance.